The following is an entry in ClinVar:

NM_000186.4(CFH):c.1599C>G (p.Asp533Glu)

Gene: CFH (complement factor H; plus strand). Cytogenetic location: 1q31.3.
Variant type: single nucleotide variant.
Coding change: c.1599C>G on transcript NM_000186.4 (MANE Select); coding-DNA position 1599, C replaced by G.
Protein change: p.Asp533Glu; replaces aspartic acid 533 with glutamic acid.
Molecular consequence: missense variant.
Genome position (GRCh38, 1-based): chr1:196,715,672, C>G. VCF-style: chr1-196715672-C-G. GRCh37 (hg19) VCF-style: chr1-196684802-C-G.
Other names: short protein forms D533E.
Identifiers: ClinVar variation 1513129 (VCV001513129.8), dbSNP rs200484932, ClinGen allele CA343983158.

ClinVar aggregate classification (germline): Uncertain significance (1 of 4 stars; one submission).

Submission:

Labcorp Genetics (formerly Invitae), Labcorp
Classification: Uncertain significance. Last evaluated: 2022-03-07. Review status: criteria provided, single submitter. Criteria: Invitae Variant Classification Sherloc (09022015). Collection method: clinical testing. Allele origin: germline.
Comment: This sequence change replaces aspartic acid, which is acidic and polar, with glutamic acid, which is acidic and polar, at codon 533 of the CFH protein (p.Asp533Glu). This variant is not present in population databases (gnomAD no frequency). This variant has not been reported in the literature in individuals affected with CFH-related conditions. Algorithms developed to predict the effect of missense changes on protein structure and function output the following: SIFT: "Tolerated"; PolyPhen-2: "Benign"; Align-GVGD: "Class C0". The glutamic acid amino acid residue is found in multiple mammalian species, which suggests that this missense change does not adversely affect protein function. Algorithms developed to predict the effect of sequence changes on RNA splicing suggest that this variant may create or strengthen a splice site. In summary, the available evidence is currently insufficient to determine the role of this variant in disease. Therefore, it has been classified as a Variant of Uncertain Significance.